The following is an entry in ClinVar:

ClinVar aggregate classification (germline): Likely benign (0 of 4 stars; one submission).

Conditions:
ADCY3-related disorder. Also called: ADCY3-related condition.

gnomAD v4.1: 1 of 1,613,774 alleles (0.000062%); highest among the groups gnomAD compares: Admixed American, 0.0017%; no homozygotes.

Submission:

PreventionGenetics, part of Exact Sciences
Classification: Likely benign for ADCY3-related condition. Last evaluated: 2024-09-24. Review status: no assertion criteria provided. Collection method: clinical testing. Allele origin: germline.
Comment: This variant is classified as likely benign based on ACMG/AMP sequence variant interpretation guidelines (Richards et al. 2015 PMID: 25741868, with internal and published modifications).

NM_004036.5(ADCY3):c.681G>A (p.Leu227=)

Gene: ADCY3 (adenylate cyclase 3; minus strand). Cytogenetic location: 2p23.3.
Variant type: single nucleotide variant.
Coding change: c.681G>A on transcript NM_004036.5 (MANE Select); coding-DNA position 681, G replaced by A.
Protein change: p.Leu227=; no amino-acid change (leucine 227 retained).
Molecular consequence: synonymous variant. On other transcripts: 5 prime UTR variant (1).
Genome position (GRCh38, 1-based): chr2:24,872,714, C>T on the plus strand (G>A on the coding strand, the complement: ADCY3 is on the minus strand). VCF-style: chr2-24872714-C-T. GRCh37 (hg19) VCF-style: chr2-25095583-C-T.
Other names: c.681G>A, p.Leu227= (NM_001320613.2, NM_001377128.1, NM_001377129.1 and 2 more transcripts); c.-43G>A (NM_001377131.1).
Identifiers: ClinVar variation 3354524 (VCV003354524.1).
Genomic context (GRCh38, chr2:24,872,714, plus strand): 5'-AGCCATGTAGTAGGACATGATGCCCACAGCGATGGCGCACAGGTAGAGGAAGACGTTGGC[C>T]AGGATCTGCACCCCAAGGAAGAAGAGAGAAAAGGCCAGGGGTGAAGGCACGTCTTCAGAA-3'
Protein context (NP_004027.2, residues 217-237): LKGMQLLREI[Leu227=]ANVFLYLCAI